The following is an entry in ClinVar:

NM_152383.5(DIS3L2):c.1460G>A (p.Arg487His)

Gene: DIS3L2 (DIS3 like 3'-5' exoribonuclease 2; plus strand). Cytogenetic location: 2q37.1.
Variant type: single nucleotide variant.
Coding change: c.1460G>A on transcript NM_152383.5 (MANE Select); coding-DNA position 1460, G replaced by A.
Protein change: p.Arg487His; replaces arginine 487 with histidine.
Molecular consequence: missense variant. On other transcripts: non-coding transcript variant (2).
Genome position (GRCh38, 1-based): chr2:232,263,241, G>A. VCF-style: chr2-232263241-G-A. GRCh37 (hg19) VCF-style: chr2-233127951-G-A.
Other names: c.1460G>A, p.Arg487His (NM_001257281.2); short protein forms R487H.
Identifiers: ClinVar variation 939016 (VCV000939016.7), dbSNP rs146752869, ClinGen allele CA2164164.

ClinVar aggregate classification (germline): Uncertain significance (1 of 4 stars; one submission).

Conditions:
Perlman syndrome (PRLMNS). Identifiers: Orphanet 2849, MedGen C0796113, MONDO:0009965, OMIM 267000.

Allele frequency attached by ClinVar (database versions not stated): gnomAD exomes 0.00001; TOPMed 0.00001; ExAC 0.00002.
gnomAD v4.1: 12 of 1,614,148 alleles (0.00074%); highest among the groups gnomAD compares: East Asian, 0.0022%; no homozygotes.

Submission:

Labcorp Genetics (formerly Invitae), Labcorp
Classification: Uncertain significance for Perlman syndrome. Last evaluated: 2025-02-03. Review status: criteria provided, single submitter. Criteria: Invitae Variant Classification Sherloc (09022015). Collection method: clinical testing. Allele origin: germline.
Comment: This sequence change replaces arginine, which is basic and polar, with histidine, which is basic and polar, at codon 487 of the DIS3L2 protein (p.Arg487His). This variant is present in population databases (rs146752869, gnomAD 0.003%). This variant has not been reported in the literature in individuals affected with DIS3L2-related conditions. ClinVar contains an entry for this variant (Variation ID: 939016). Invitae Evidence Modeling of protein sequence and biophysical properties (such as structural, functional, and spatial information, amino acid conservation, physicochemical variation, residue mobility, and thermodynamic stability) indicates that this missense variant is not expected to disrupt DIS3L2 protein function with a negative predictive value of 80%. In summary, the available evidence is currently insufficient to determine the role of this variant in disease. Therefore, it has been classified as a Variant of Uncertain Significance.